The following is an entry in ClinVar:

NM_000077.5(CDKN2A):c.132C>T (p.Tyr44=)

Gene: CDKN2A (cyclin dependent kinase inhibitor 2A; minus strand). Cytogenetic location: 9p21.3.
Variant type: single nucleotide variant.
Coding change: c.132C>T on transcript NM_000077.5; coding-DNA position 132, C replaced by T.
Protein change: p.Tyr44=; no amino-acid change (tyrosine 44 retained).
Molecular consequence: synonymous variant (on NM_000077.6). On other transcripts: intron variant (2).
Genome position (GRCh38, 1-based): chr9:21,974,696, G>A on the plus strand (C>T on the coding strand, the complement: CDKN2A is on the minus strand). VCF-style: chr9-21974696-G-A. GRCh37 (hg19) VCF-style: chr9-21974695-G-A.
Other names: c.132C>T, p.Tyr44= (NM_000077.6, NM_001195132.2, NM_058197.5); c.-3-3488C>T (NM_001363763.2); c.194-3488C>T (NM_058195.4).
Identifiers: ClinVar variation 483351 (VCV000483351.16), dbSNP rs1554656253, ClinGen allele CA464100119.
Genomic context (GRCh38, chr9:21,974,696, plus strand): 5'-TCGCCCGCCATCCCCTGCTCCCGCTGCAGACCCTCTACCCACCTGGATCGGCCTCCGACC[G>A]TAACTATTCGGTGCGTTGGGCAGCGCCCCCGCCTCCAGCAGCGCCCGCACCTCCTCTACC-3'
Protein context (NP_000068.1, residues 34-54): AGALPNAPNS[Tyr44=]GRRPIQVMMM

ClinVar aggregate classification (germline): Benign/Likely benign. Review status: criteria provided, multiple submitters, no conflicts (2 of 4 stars). 4 submissions from 4 submitters: Benign (1); Likely benign (3). Last evaluated 2026-01-04.

Conditions:
Hereditary cancer-predisposing syndrome. Also called: Tumor predisposition; Hereditary Cancer Syndrome; Neoplastic Syndromes, Hereditary; Hereditary neoplastic syndrome. Identifiers: Orphanet 140162, MedGen C0027672, MeSH D009386, MONDO:0015356.
Melanoma-pancreatic cancer syndrome. Identifiers: Orphanet 404560, MedGen C1838547, MONDO:0011713, OMIM 606719. Disease mechanism: loss of function.
Familial melanoma. Also called: Hereditary melanoma; Hereditary cutaneous melanoma. Identifiers: Orphanet 618, MedGen C1512419, MONDO:0018961.

Allele frequency attached by ClinVar (database versions not stated): gnomAD exomes below 0.00001.
gnomAD v4.1: 4 of 1,613,694 alleles (0.00025%); highest among the groups gnomAD compares: Non-Finnish European, 0.00034%; no homozygotes.

Submissions (4):

Labcorp Genetics (formerly Invitae), Labcorp
Classification: Likely benign for Familial melanoma. Last evaluated: 2026-01-04. Review status: criteria provided, single submitter. Criteria: Invitae Variant Classification Sherloc (09022015). Collection method: clinical testing. Allele origin: germline.

Myriad Genetics, Inc.
Classification: Benign for Melanoma-pancreatic cancer syndrome. Last evaluated: 2025-08-14. Review status: criteria provided, single submitter. Criteria: Myriad Autosomal Dominant, Autosomal Recessive and X-Linked Classification Criteria (2023). Collection method: clinical testing. Allele origin: unknown.
Comment: This variant is considered benign. This variant is a silent/synonymous amino acid change and it is not expected to impact splicing.

Color Diagnostics, LLC DBA Color Health
Classification: Likely benign for Hereditary cancer-predisposing syndrome. Last evaluated: 2019-10-08. Review status: criteria provided, single submitter. Criteria: ACMG Guidelines, 2015. Collection method: clinical testing. Allele origin: germline.

Ambry Genetics
Classification: Likely benign for Hereditary cancer-predisposing syndrome. Last evaluated: 2017-07-14. Review status: criteria provided, single submitter. Criteria: Ambry Variant Classification Scheme 2023. Collection method: clinical testing. Allele origin: germline.